The following is an entry in ClinVar:

NM_014000.3(VCL):c.500-281T>C

Gene: VCL (vinculin; plus strand). Cytogenetic location: 10q22.2.
Variant type: single nucleotide variant.
Coding change: c.500-281T>C on transcript NM_014000.3 (MANE Select); 281 bases into the intron before coding-DNA position 500, T replaced by C.
Molecular consequence: intron variant.
Genome position (GRCh38, 1-based): chr10:74,072,449, T>C. VCF-style: chr10-74072449-T-C. GRCh37 (hg19) VCF-style: chr10-75832207-T-C.
Other names: c.500-281T>C (NM_003373.4).
Identifiers: ClinVar variation 684059 (VCV000684059.1), dbSNP rs74146314, ClinGen allele CA209693004.

ClinVar aggregate classification (germline): Benign (1 of 4 stars; one submission).

Allele frequency attached by ClinVar (database versions not stated): gnomAD 0.06364 and 0.06797; TOPMed 0.07075; 1000 Genomes Project 0.07288; 1000 Genomes Project 30x 0.07808.
gnomAD v4.1: 9,584 of 152,226 alleles (6.3%); highest among the groups gnomAD compares: African/African-American, 22%; 1,038 homozygotes.

Submission:

GeneDx
Classification: Benign. Last evaluated: 2018-06-19. Review status: criteria provided, single submitter. Criteria: GeneDx Variant Classification (06012015). Collection method: clinical testing. Allele origin: germline. Affected: yes.
Comment: This variant is considered likely benign or benign based on one or more of the following criteria: it is a conservative change, it occurs at a poorly conserved position in the protein, it is predicted to be benign by multiple in silico algorithms, and/or has population frequency not consistent with disease.